The following is an entry in ClinVar:

NM_000038.6(APC):c.136-4A>G

Gene: APC (APC regulator of Wnt signaling pathway; plus strand). Cytogenetic location: 5q22.2.
Variant type: single nucleotide variant.
Coding change: c.136-4A>G on transcript NM_000038.6 (MANE Select); 4 bases into the intron before coding-DNA position 136, A replaced by G.
Molecular consequence: intron variant.
Genome position (GRCh38, 1-based): chr5:112,766,322, A>G. VCF-style: chr5-112766322-A-G. GRCh37 (hg19) VCF-style: chr5-112102019-A-G.
Other names: c.136-4A>G (NM_001354895.2, NM_001127510.3, NM_001354896.2 and 2 more transcripts); c.166-4A>G (NM_001354897.2, NM_001354902.2, NM_001127511.3); c.61-4A>G (NM_001354898.2, NM_001354904.2); c.-900-4A>G (NM_001354906.2); c.-42-4A>G (NM_001354900.2, NM_001354901.2, NM_001354905.2).
Identifiers: ClinVar variation 925741 (VCV000925741.51), dbSNP rs1297141781, ClinGen allele CA802050870.

ClinVar aggregate classification (germline): Uncertain significance. Review status: reviewed by expert panel (3 of 4 stars). 3 submissions from 3 submitters: Uncertain significance (1). 2 of the submissions do not count toward it. Last evaluated 2025-05-15.

Conditions:
Hereditary cancer-predisposing syndrome. Also called: Neoplastic Syndromes, Hereditary; Tumor predisposition; Hereditary Cancer Syndrome; Hereditary neoplastic syndrome. Identifiers: Orphanet 140162, MedGen C0027672, MeSH D009386, MONDO:0015356.
Familial adenomatous polyposis 1 (FAP1). Also called: FAMILIAL ADENOMATOUS POLYPOSIS 1, ATTENUATED; POLYPOSIS, ADENOMATOUS INTESTINAL. Identifiers: MedGen C2713442, MONDO:0021056, OMIM 175100. Disease mechanism: loss of function.

Allele frequency attached by ClinVar (database versions not stated): gnomAD exomes below 0.00001; TOPMed below 0.00001; gnomAD 0.00001.
gnomAD v4.1: 2 of 1,578,476 alleles (0.00013%); highest among the groups gnomAD compares: Non-Finnish European, 0.00017%; no homozygotes.

Submissions (3):

ClinGen InSiGHT Hereditary Colorectal Cancer/Polyposis Variant Curation Expert Panel
Classification: Uncertain significance for Familial adenomatous polyposis 1. Last evaluated: 2025-05-15. Review status: reviewed by expert panel. Criteria: ClinGen InSiGHT HCCP VCEP ACMG Specifications APC V1. Collection method: curation. Allele origin: germline. Inheritance: Autosomal dominant inheritance.
Comment: The NM_000038.6(APC):c.136-4A>G variant in APC is an intronic variant which is localized in intron 2. The variant has been reported in 1 individual without a colorectal cancer/polyposis associated phenotype not meeting criteria for BS2 (BS2 not met; internal data Labcorp Genetics (formerly Invitae)). This variant is absent from gnomAD v2.1.1 (PM2_Supporting). The results from ≥ 2 in silico splicing predictors (SpliceAI, MaxEntScan, VarSeak) indicate that this variant may affect splicing by creating a new acceptor splice site of intron 2 of APC, possibly adding one amino acid (Gln) to exon 3. However, the native acceptor splice site seems not to be affected and the predicted addition of one amino acid would not result in a "deleterious effect" (PP3 not met). In summary, this variant is a VUS for autosomal-dominant inherited FAP based on the ACMG/AMP criteria applied, as specified by the ClinGen InSiGHT Hereditary Colorectal Cancer/Polyposis VCEP: PM2_Supporting (VCEP specifications version v2.1.0; date of approval 11/24/2023).

Labcorp Genetics (formerly Invitae), Labcorp
Classification: Uncertain significance for Familial adenomatous polyposis 1. Last evaluated: 2025-03-17. Review status: criteria provided, single submitter. Criteria: Invitae Variant Classification Sherloc (09022015). Collection method: clinical testing. Allele origin: germline. Not counted in ClinVar's aggregate classification.
Comment: This sequence change falls in intron 2 of the APC gene. It does not directly change the encoded amino acid sequence of the APC protein. This variant is not present in population databases (gnomAD no frequency). This variant has not been reported in the literature in individuals affected with APC-related conditions. ClinVar contains an entry for this variant (Variation ID: 925741). Algorithms developed to predict the effect of sequence changes on RNA splicing suggest that this variant may create or strengthen a splice site. In summary, the available evidence is currently insufficient to determine the role of this variant in disease. Therefore, it has been classified as a Variant of Uncertain Significance.

Color Diagnostics, LLC DBA Color Health
Classification: Uncertain significance for Hereditary cancer-predisposing syndrome. Last evaluated: 2019-10-16. Review status: criteria provided, single submitter. Criteria: ACMG Guidelines, 2015. Collection method: clinical testing. Allele origin: germline. Not counted in ClinVar's aggregate classification.
Comment: This variant causes an A>G nucleotide substitution at the -4 position of intron 2 of the APC gene. Splice site prediction tools are inconclusive regarding the impact of this variant on RNA splicing. To our knowledge, functional studies have not been performed for this variant. This variant has not been reported in individuals affected with hereditary cancer in the literature. This variant has not been identified in the general population by the Genome Aggregation Database (gnomAD). The available evidence is insufficient to determine the role of this variant in disease conclusively. Therefore, this variant is classified as a Variant of Uncertain Significance.